The following is an entry in ClinVar:

NM_006012.4(CLPP):c.243G>C (p.Arg81=)

Genes: CLPP (caseinolytic mitochondrial matrix peptidase proteolytic subunit; plus strand), LOC130063288 (ATAC-STARR-seq lymphoblastoid silent region 9948; plus strand). Cytogenetic location: 19p13.3.
Variant type: single nucleotide variant.
Coding change: c.243G>C on transcript NM_006012.4 (MANE Select); coding-DNA position 243, G replaced by C.
Protein change: p.Arg81=; no amino-acid change (arginine 81 retained).
Molecular consequence: synonymous variant.
Genome position (GRCh38, 1-based): chr19:6,361,913, G>C. VCF-style: chr19-6361913-G-C. GRCh37 (hg19) VCF-style: chr19-6361924-G-C.
Identifiers: ClinVar variation 5039887 (VCV005039887.1).

ClinVar aggregate classification (germline): Likely benign (1 of 4 stars; one submission).

Submission:

CeGaT Center for Human Genetics Tuebingen
Classification: Likely benign. Last evaluated: 2026-08-01. Review status: criteria provided, single submitter. Criteria: CeGaT Center For Human Genetics Tuebingen Variant Classification Criteria Version 2. Collection method: clinical testing. Allele origin: germline. Affected: yes. Observed: 1 variant allele.
Comment: CLPP: BP4, BP7